The following is an entry in ClinVar:

ClinVar aggregate classification (germline): Uncertain significance (1 of 4 stars; one submission).

gnomAD v4.1: 1 of 1,567,548 alleles (0.000064%); highest among the groups gnomAD compares: Non-Finnish European, 0.000086%; no homozygotes.

Submission:

Labcorp Genetics (formerly Invitae), Labcorp
Classification: Uncertain significance. Last evaluated: 2022-04-12. Review status: criteria provided, single submitter. Criteria: Invitae Variant Classification Sherloc (09022015). Collection method: clinical testing. Allele origin: germline.
Comment: In summary, the available evidence is currently insufficient to determine the role of this variant in disease. Therefore, it has been classified as a Variant of Uncertain Significance. Algorithms developed to predict the effect of missense changes on protein structure and function are either unavailable or do not agree on the potential impact of this missense change (SIFT: "Deleterious"; PolyPhen-2: "Possibly Damaging"; Align-GVGD: "Class C0"). This variant has not been reported in the literature in individuals affected with MYSM1-related conditions. This variant is not present in population databases (gnomAD no frequency). This sequence change replaces glycine, which is neutral and non-polar, with cysteine, which is neutral and slightly polar, at codon 170 of the MYSM1 protein (p.Gly170Cys).

NM_001085487.3(MYSM1):c.508G>T (p.Gly170Cys)

Gene: MYSM1 (Myb like, SWIRM and MPN domains 1; minus strand). Cytogenetic location: 1p32.1.
Variant type: single nucleotide variant.
Coding change: c.508G>T on transcript NM_001085487.3 (MANE Select); coding-DNA position 508, G replaced by T.
Protein change: p.Gly170Cys; replaces glycine 170 with cysteine.
Molecular consequence: missense variant.
Genome position (GRCh38, 1-based): chr1:58,682,536, C>A on the plus strand (G>T on the coding strand, the complement: MYSM1 is on the minus strand). VCF-style: chr1-58682536-C-A. GRCh37 (hg19) VCF-style: chr1-59148208-C-A.
Other names: short protein forms G170C.
Identifiers: ClinVar variation 2125659 (VCV002125659.4), dbSNP rs569512271, ClinGen allele CA340530055.